The following is an entry in ClinVar:

ClinVar aggregate classification (germline): Uncertain significance (1 of 4 stars; one submission).

Submission:

CeGaT Center for Human Genetics Tuebingen
Classification: Uncertain significance. Last evaluated: 2024-08-01. Review status: criteria provided, single submitter. Criteria: CeGaT Center For Human Genetics Tuebingen Variant Classification Criteria Version 2. Collection method: clinical testing. Allele origin: germline. Affected: yes. Observed: 1 variant allele.
Comment: LRP5: PM2

NM_002335.4(LRP5):c.1189A>G (p.Ile397Val)

Gene: LRP5 (LDL receptor related protein 5; plus strand). Cytogenetic location: 11q13.2.
Variant type: single nucleotide variant.
Coding change: c.1189A>G on transcript NM_002335.4 (MANE Select); coding-DNA position 1189, A replaced by G.
Protein change: p.Ile397Val; replaces isoleucine 397 with valine.
Molecular consequence: missense variant. On other transcripts: 5 prime UTR variant (1).
Genome position (GRCh38, 1-based): chr11:68,386,489, A>G. VCF-style: chr11-68386489-A-G. GRCh37 (hg19) VCF-style: chr11-68153957-A-G.
Other names: c.-577A>G (NM_001291902.2); short protein forms I397V.
Identifiers: ClinVar variation 3341958 (VCV003341958.16).